The following is an entry in ClinVar:

ClinVar aggregate classification (germline): Uncertain significance (1 of 4 stars; one submission).

Conditions:
Ehlers-Danlos syndrome, classic type, 1 (EDSCL1). Also called: EHLERS-DANLOS SYNDROME, GRAVIS TYPE; EHLERS-DANLOS SYNDROME, SEVERE CLASSIC TYPE; Ehlers-Danlos syndrome, type 1; Ehlers-Danlos Syndrome, Classic Type, COL5A1-Related; EDS I. Identifiers: MedGen C0268335, MONDO:0019567, OMIM 130000.

gnomAD v4.1: 1 of 1,613,976 alleles (0.000062%); no homozygotes.

Submission:

Labcorp Genetics (formerly Invitae), Labcorp
Classification: Uncertain significance for Ehlers-Danlos syndrome, classic type, 1. Last evaluated: 2025-07-31. Review status: criteria provided, single submitter. Criteria: Invitae Variant Classification Sherloc (09022015). Collection method: clinical testing. Allele origin: germline.
Comment: This sequence change replaces isoleucine, which is neutral and non-polar, with valine, which is neutral and non-polar, at codon 467 of the COL5A1 protein (p.Ile467Val). This variant is not present in population databases (gnomAD no frequency). This variant has not been reported in the literature in individuals affected with COL5A1-related conditions. Invitae Evidence Modeling of protein sequence and biophysical properties (such as structural, functional, and spatial information, amino acid conservation, physicochemical variation, residue mobility, and thermodynamic stability) indicates that this missense variant is not expected to disrupt COL5A1 protein function with a negative predictive value of 95%. In summary, the available evidence is currently insufficient to determine the role of this variant in disease. Therefore, it has been classified as a Variant of Uncertain Significance.

NM_000093.5(COL5A1):c.1399A>G (p.Ile467Val)

Gene: COL5A1 (collagen type V alpha 1 chain; plus strand). Cytogenetic location: 9q34.3.
Variant type: single nucleotide variant.
Coding change: c.1399A>G on transcript NM_000093.5 (MANE Select); coding-DNA position 1399, A replaced by G.
Protein change: p.Ile467Val; replaces isoleucine 467 with valine.
Molecular consequence: missense variant.
Genome position (GRCh38, 1-based): chr9:134,738,483, A>G. VCF-style: chr9-134738483-A-G. GRCh37 (hg19) VCF-style: chr9-137630329-A-G.
Other names: c.1399A>G, p.Ile467Val (NM_001278074.1); short protein forms I467V.
Identifiers: ClinVar variation 4771103 (VCV004771103.1).